The following is an entry in ClinVar:

NM_004006.3(DMD):c.3446A>C (p.Lys1149Thr)

Gene: DMD (dystrophin; minus strand). Cytogenetic location: Xp21.1.
Variant type: single nucleotide variant.
Coding change: c.3446A>C on transcript NM_004006.3 (MANE Select); coding-DNA position 3446, A replaced by C.
Protein change: p.Lys1149Thr; replaces lysine 1149 with threonine.
Molecular consequence: missense variant.
Genome position (GRCh38, 1-based): chrX:32,454,819, T>G on the plus strand (A>C on the coding strand, the complement: DMD is on the minus strand). VCF-style: chrX-32454819-T-G. GRCh37 (hg19) VCF-style: chrX-32472936-T-G.
Other names: c.3422A>C, p.Lys1141Thr (NM_000109.4); c.3434A>C, p.Lys1145Thr (NM_004009.3); c.3077A>C, p.Lys1026Thr (NM_004010.3); short protein forms K1149T, K1141T, K1145T, K1026T.
Identifiers: ClinVar variation 409944 (VCV000409944.24), dbSNP rs398123940, ClinGen allele CA16616507.

ClinVar aggregate classification (germline): Conflicting classifications of pathogenicity. Review status: criteria provided, conflicting classifications (1 of 4 stars). 4 submissions from 4 submitters: Uncertain significance (3); Likely benign (1). Last evaluated 2025-11-03.

Conditions:
Cardiovascular phenotype. Identifiers: MedGen CN230736.
Dilated cardiomyopathy 3B (CMD3B). Also called: CMD3B: DMD-Related Dilated Cardiomyopathy; CARDIOMYOPATHY, DILATED, X-LINKED; DMD-Associated Dilated Cardiomyopathy. Identifiers: Orphanet 154, MedGen C3668940, MONDO:0010542, OMIM 302045.
Duchenne muscular dystrophy (DMD). Also called: MUSCULAR DYSTROPHY, PSEUDOHYPERTROPHIC PROGRESSIVE, DUCHENNE TYPE; Duchenne Muscular Dystrophy (DMD). Identifiers: Orphanet 98896, MedGen C0013264, MONDO:0010679, OMIM 310200.

Allele frequency attached by ClinVar (database versions not stated): TOPMed below 0.00001; gnomAD 0.00001.
gnomAD v4.1: 9 of 1,205,121 alleles (0.00075%); highest among the groups gnomAD compares: Non-Finnish European, 0.0009%; no homozygotes.

Submissions (4):

Labcorp Genetics (formerly Invitae), Labcorp
Classification: Likely benign for Duchenne muscular dystrophy. Last evaluated: 2025-11-03. Review status: criteria provided, single submitter. Criteria: Invitae Variant Classification Sherloc (09022015). Collection method: clinical testing. Allele origin: germline.

Ambry Genetics
Classification: Uncertain significance for Cardiovascular phenotype. Last evaluated: 2023-06-21. Review status: criteria provided, single submitter. Criteria: Ambry Variant Classification Scheme 2023. Collection method: clinical testing. Allele origin: germline.
Comment: The p.K1149T variant (also known as c.3446A>C), located in coding exon 26 of the DMD gene, results from an A to C substitution at nucleotide position 3446. The lysine at codon 1149 is replaced by threonine, an amino acid with similar properties. This amino acid position is highly conserved in available vertebrate species. In addition, the in silico prediction for this alteration is inconclusive. Since supporting evidence is limited at this time, the clinical significance of this alteration remains unclear.

ARUP Laboratories, Molecular Genetics and Genomics, ARUP Laboratories
Classification: Uncertain significance. Last evaluated: 2019-09-04. Review status: criteria provided, single submitter. Criteria: ARUP Molecular Germline Variant Investigation Process. Collection method: clinical testing. Allele origin: germline.
Comment: The DMD c.3446A>C, p.Lys1149Thr variant (rs398123940), to our knowledge, has not been reported in the medical literature; however, this variant is listed in the ClinVar database as a variant of uncertain significance (Variation ID: 409944). This variant is absent from general population databases (1000 Genomes Project, Exome Variant Server, and Genome Aggregation Database), indicating it is not a common polymorphism. The lysine at codon 1149 is highly conserved (Alamut v.2.11) and computational analyses (SIFT, PolyPhen-2) predict that this variant is deleterious. However, based on the available information, the clinical significance of this variant is uncertain.

Illumina Laboratory Services, Illumina
Classification: Uncertain significance for Dilated cardiomyopathy 3B. Last evaluated: 2018-01-12. Review status: criteria provided, single submitter. Criteria: ICSL Variant Classification Criteria 13 December 2019. Collection method: clinical testing. Allele origin: germline.